The following is an entry in ClinVar:

ClinVar aggregate classification (germline): Uncertain significance. Review status: criteria provided, multiple submitters, no conflicts (2 of 4 stars). 2 submissions from 2 submitters: Uncertain significance (2). Last evaluated 2024-07-30.

Conditions:
Glycogen storage disease, type II (IOPD). Also called: Glucosidase acid-1,4-alpha deficiency; CARDIOMEGALIA GLYCOGENICA DIFFUSA; GLYCOGENOSIS, GENERALIZED, CARDIAC FORM; GSD II; ACID MALTASE DEFICIENCY, INFANTILE-ONSET; POMPE DISEASE, INFANTILE-ONSET. Identifiers: Orphanet 365, MedGen C0017921, MONDO:0009290, OMIM 232300.

Submissions (2):

GeneDx
Classification: Uncertain significance. Last evaluated: 2024-07-30. Review status: criteria provided, single submitter. Criteria: GeneDx Variant Classification Process June 2021. Collection method: clinical testing. Allele origin: germline. Affected: yes.
Comment: Not observed at significant frequency in large population cohorts (gnomAD); In silico analysis indicates that this missense variant does not alter protein structure/function; Has not been previously published as pathogenic or benign to our knowledge

Labcorp Genetics (formerly Invitae), Labcorp
Classification: Uncertain significance for Glycogen storage disease, type II. Last evaluated: 2022-08-22. Review status: criteria provided, single submitter. Criteria: Invitae Variant Classification Sherloc (09022015). Collection method: clinical testing. Allele origin: germline.
Comment: This sequence change replaces glutamine, which is neutral and polar, with histidine, which is basic and polar, at codon 915 of the GAA protein (p.Gln915His). This variant is not present in population databases (gnomAD no frequency). This variant has not been reported in the literature in individuals affected with GAA-related conditions. ClinVar contains an entry for this variant (Variation ID: 1055315). Advanced modeling of protein sequence and biophysical properties (such as structural, functional, and spatial information, amino acid conservation, physicochemical variation, residue mobility, and thermodynamic stability) performed at Invitae indicates that this missense variant is not expected to disrupt GAA protein function. In summary, the available evidence is currently insufficient to determine the role of this variant in disease. Therefore, it has been classified as a Variant of Uncertain Significance.

NM_000152.5(GAA):c.2745G>C (p.Gln915His)

Gene: GAA (alpha glucosidase; plus strand). Cytogenetic location: 17q25.3.
Variant type: single nucleotide variant.
Coding change: c.2745G>C on transcript NM_000152.5 (MANE Select); coding-DNA position 2745, G replaced by C.
Protein change: p.Gln915His; replaces glutamine 915 with histidine.
Molecular consequence: missense variant.
Genome position (GRCh38, 1-based): chr17:80,118,751, G>C. VCF-style: chr17-80118751-G-C. GRCh37 (hg19) VCF-style: chr17-78092550-G-C.
Other names: c.2745G>C, p.Gln915His (NM_001079803.3, NM_001079804.3); c.2745G>C (NM_000152.3); short protein forms Q915H.
Identifiers: ClinVar variation 1055315 (VCV001055315.9), dbSNP rs2143934282, ClinGen allele CA401327154.